The following is an entry in ClinVar:

NM_019032.6(ADAMTSL4):c.3020G>A (p.Arg1007Gln)

Gene: ADAMTSL4 (ADAMTS like 4; plus strand). Cytogenetic location: 1q21.2.
Variant type: single nucleotide variant.
Coding change: c.3020G>A on transcript NM_019032.6 (MANE Select); coding-DNA position 3020, G replaced by A.
Protein change: p.Arg1007Gln; replaces arginine 1007 with glutamine.
Molecular consequence: missense variant.
Genome position (GRCh38, 1-based): chr1:150,559,837, G>A. VCF-style: chr1-150559837-G-A. GRCh37 (hg19) VCF-style: chr1-150532313-G-A.
Other names: c.2903G>A, p.Arg968Gln (NM_001288607.2); c.3089G>A, p.Arg1030Gln (NM_001288608.2); c.3020G>A, p.Arg1007Gln (NM_001378596.1); c.3020G>A (NM_019032.5); short protein forms R1030Q, R1007Q, R968Q.
Identifiers: ClinVar variation 875436 (VCV000875436.11), dbSNP rs776456026, ClinGen allele CA1078924.

ClinVar aggregate classification (germline): Uncertain significance. Review status: criteria provided, multiple submitters, no conflicts (2 of 4 stars). 6 submissions from 5 submitters: Uncertain significance (6). Last evaluated 2026-01-21.

Conditions:
ADAMTSL4-related disorder. Also called: ADAMTSL4-related condition; ADAMTSL4-Related Disorders.
Ectopia lentis et pupillae. Also called: ECTOPIA LENTIS WITH ECTOPIA OF PUPIL. Identifiers: Orphanet 1885, MedGen C1644196, MONDO:0009153, OMIM 225200.
Inborn genetic diseases. Identifiers: MedGen C0950123, MeSH D030342.
Ectopia lentis 2, isolated, autosomal recessive (ECTOL2). Identifiers: Orphanet 1885, MedGen C3541474, MONDO:0009152, OMIM 225100.

Allele frequency attached by ClinVar (database versions not stated): gnomAD 0.00001 and 0.00002; ExAC 0.00002; gnomAD exomes 0.00006 and 0.00007; TOPMed 0.00007.

Submissions (6):

Labcorp Genetics (formerly Invitae), Labcorp
Classification: Uncertain significance. Last evaluated: 2026-01-21. Review status: criteria provided, single submitter. Criteria: Invitae Variant Classification Sherloc (09022015). Collection method: clinical testing. Allele origin: germline.
Comment: This sequence change replaces arginine, which is basic and polar, with glutamine, which is neutral and polar, at codon 1007 of the ADAMTSL4 protein (p.Arg1007Gln). This variant is present in population databases (rs776456026, gnomAD 0.02%). This variant has not been reported in the literature in individuals affected with ADAMTSL4-related conditions. ClinVar contains an entry for this variant (Variation ID: 875436). Invitae Evidence Modeling of protein sequence and biophysical properties (such as structural, functional, and spatial information, amino acid conservation, physicochemical variation, residue mobility, and thermodynamic stability) indicates that this missense variant is not expected to disrupt ADAMTSL4 protein function with a negative predictive value of 80%. In summary, the available evidence is currently insufficient to determine the role of this variant in disease. Therefore, it has been classified as a Variant of Uncertain Significance.

PreventionGenetics, part of Exact Sciences
Classification: Uncertain significance for ADAMTSL4-related condition. Last evaluated: 2025-06-03. Review status: criteria provided, single submitter. Criteria: ACMG Guidelines, 2015. Collection method: clinical testing. Allele origin: germline.
Comment: The ADAMTSL4 c.3020G>A variant is predicted to result in the amino acid substitution p.Arg1007Gln. To our knowledge, this variant has not been reported in the literature. This variant is reported in 0.020% of alleles in individuals of East Asian descent in gnomAD. At this time, the clinical significance of this variant is uncertain due to the absence of conclusive functional and genetic evidence.

Ambry Genetics
Classification: Uncertain significance for Inborn genetic diseases. Last evaluated: 2024-05-13. Review status: criteria provided, single submitter. Criteria: Ambry Variant Classification Scheme 2023. Collection method: clinical testing. Allele origin: germline.

Genome-Nilou Lab
Classification: Uncertain significance for Ectopia lentis et pupillae. Last evaluated: 2023-04-11. Review status: criteria provided, single submitter. Criteria: ACMG Guidelines, 2015. Collection method: clinical testing. Allele origin: germline. Affected: no.

Genome-Nilou Lab
Classification: Uncertain significance for Ectopia lentis 2, isolated, autosomal recessive. Last evaluated: 2023-04-11. Review status: criteria provided, single submitter. Criteria: ACMG Guidelines, 2015. Collection method: clinical testing. Allele origin: germline. Affected: no.

Illumina Laboratory Services, Illumina
Classification: Uncertain significance for Ectopia lentis 2, isolated, autosomal recessive. Last evaluated: 2018-01-13. Review status: criteria provided, single submitter. Criteria: ICSL Variant Classification Criteria 13 December 2019. Collection method: clinical testing. Allele origin: germline.